The following is an entry in ClinVar:

NM_005491.5(MAMLD1):c.1876C>T (p.Arg626Ter)

Gene: MAMLD1 (mastermind like domain containing 1; plus strand). Cytogenetic location: Xq28.
Variant type: single nucleotide variant.
Coding change: c.1876C>T on transcript NM_005491.5 (MANE Select); coding-DNA position 1876, C replaced by T.
Protein change: p.Arg626Ter; replaces arginine 626 with a stop codon.
Molecular consequence: nonsense.
Genome position (GRCh38, 1-based): chrX:150,471,449, C>T. VCF-style: chrX-150471449-C-T. GRCh37 (hg19) VCF-style: chrX-149639721-C-T.
Other names: c.1801C>T, p.Arg601Ter (NM_001177465.3, NM_001177466.3, NM_001400514.1); c.1876C>T, p.Arg626Ter (NM_001400512.1, NM_001400513.1, NM_001400515.1); short protein forms R626*, R601*.
Identifiers: ClinVar variation 4998420 (VCV004998420.1).

ClinVar aggregate classification (germline): Likely pathogenic (1 of 4 stars; one submission).

Conditions:
MAMLD1-related disorder. Also called: MAMLD1-related condition.

gnomAD v4.1: 3 of 1,210,918 alleles (0.00025%); highest among the groups gnomAD compares: Non-Finnish European, 0.00022%; no homozygotes.

Submission:

PreventionGenetics, part of Exact Sciences
Classification: Likely pathogenic for MAMLD1-related condition. Last evaluated: 2024-12-05. Review status: criteria provided, single submitter. Criteria: ACMG Guidelines, 2015. Collection method: clinical testing. Allele origin: germline.
Comment: The MAMLD1 c.1876C>T variant is predicted to result in premature protein termination (p.Arg626*). To our knowledge, this variant has not been reported in the literature or in a large population database (gnomAD), indicating this variant is rare. Nonsense variants in MAMLD1 are expected to be pathogenic. This variant is interpreted as likely pathogenic.